The following is an entry in ClinVar:

ClinVar aggregate classification (germline): Uncertain significance (1 of 4 stars; one submission).

gnomAD v4.1: 1 of 1,610,608 alleles (0.000062%); highest among the groups gnomAD compares: Non-Finnish European, 0.000085%; no homozygotes.

Submission:

GeneDx
Classification: Uncertain significance. Last evaluated: 2024-06-26. Review status: criteria provided, single submitter. Criteria: GeneDx Variant Classification Process June 2021. Collection method: clinical testing. Allele origin: germline. Affected: yes.
Comment: Not observed at significant frequency in large population cohorts (gnomAD); In silico analysis indicates that this missense variant does not alter protein structure/function; Has not been previously published as pathogenic or benign to our knowledge

NM_000899.5(KITLG):c.154A>G (p.Met52Val)

Gene: KITLG (KIT ligand; minus strand). Cytogenetic location: 12q21.32.
Variant type: single nucleotide variant.
Coding change: c.154A>G on transcript NM_000899.5 (MANE Select); coding-DNA position 154, A replaced by G.
Protein change: p.Met52Val; replaces methionine 52 with valine.
Molecular consequence: missense variant.
Genome position (GRCh38, 1-based): chr12:88,532,479, T>C on the plus strand (A>G on the coding strand, the complement: KITLG is on the minus strand). VCF-style: chr12-88532479-T-C. GRCh37 (hg19) VCF-style: chr12-88926256-T-C.
Other names: c.154A>G, p.Met52Val (NM_003994.6); short protein forms M52V.
Identifiers: ClinVar variation 3392608 (VCV003392608.1).